The following is an entry in ClinVar:

NM_015192.4(PLCB1):c.3549T>G (p.Pro1183=)

Gene: PLCB1 (phospholipase C beta 1; plus strand). Cytogenetic location: 20p12.3.
Variant type: single nucleotide variant.
Coding change: c.3549T>G on transcript NM_015192.4 (MANE Select); coding-DNA position 3549, T replaced by G.
Protein change: p.Pro1183=; no amino-acid change (proline 1183 retained).
Molecular consequence: synonymous variant. On other transcripts: 3 prime UTR variant (1).
Genome position (GRCh38, 1-based): chr20:8,881,747, T>G. VCF-style: chr20-8881747-T-G. GRCh37 (hg19) VCF-style: chr20-8862394-T-G.
Other names: c.*145T>G (NM_182734.3).
Identifiers: ClinVar variation 2652199 (VCV002652199.24), dbSNP rs780459225, ClinGen allele CA509713866.

ClinVar aggregate classification (germline): Likely benign (1 of 4 stars; one submission).

Submission:

CeGaT Center for Human Genetics Tuebingen
Classification: Likely benign. Last evaluated: 2023-05-01. Review status: criteria provided, single submitter. Criteria: CeGaT Center For Human Genetics Tuebingen Variant Classification Criteria Version 2. Collection method: clinical testing. Allele origin: germline. Affected: yes. Observed: 1 variant allele.
Comment: PLCB1: BP4, BP7